The following is an entry in ClinVar:

NM_000081.4(LYST):c.1697T>G (p.Leu566Trp)

Gene: LYST (lysosomal trafficking regulator; minus strand). Cytogenetic location: 1q42.3.
Variant type: single nucleotide variant.
Coding change: c.1697T>G on transcript NM_000081.4 (MANE Select); coding-DNA position 1697, T replaced by G.
Protein change: p.Leu566Trp; replaces leucine 566 with tryptophan.
Molecular consequence: missense variant.
Genome position (GRCh38, 1-based): chr1:235,809,121, A>C on the plus strand (T>G on the coding strand, the complement: LYST is on the minus strand). VCF-style: chr1-235809121-A-C. GRCh37 (hg19) VCF-style: chr1-235972421-A-C.
Other names: c.1697T>G, p.Leu566Trp (NM_001301365.1); c.1697T>G (NM_000081.2); short protein forms L566W.
Identifiers: ClinVar variation 662689 (VCV000662689.9), dbSNP rs985775913, ClinGen allele CA39617887.
Genomic context (GRCh38, chr1:235,809,121, plus strand): 5'-ATACAACAGCATATTCCAATGTTATGAACACCCGATAGGATCTGGACACAAGTGCTGCTC[A>C]AGGAAGCCTGCTGTAGTAAGCGCAAGCACTGATGGGCACACACTGCAATGCAACAGCACC-3'
Protein context (NP_000072.2, residues 556-576): QCLRLLQQAS[Leu566Trp]SSTCVQILSG

ClinVar aggregate classification (germline): Uncertain significance. Review status: criteria provided, multiple submitters, no conflicts (2 of 4 stars). 2 submissions from 2 submitters: Uncertain significance (2). Last evaluated 2025-10-08.

Conditions:
Chédiak-Higashi syndrome (CHS). Also called: Chediak-Higashi Syndrome. Identifiers: Orphanet 167, MedGen C0007965, MONDO:0008963, OMIM 214500.
Inborn genetic diseases. Identifiers: MedGen C0950123, MeSH D030342.

Submissions (2):

Ambry Genetics
Classification: Uncertain significance for Inborn genetic diseases. Last evaluated: 2025-10-08. Review status: criteria provided, single submitter. Criteria: Ambry Variant Classification Scheme 2023. Collection method: clinical testing. Allele origin: germline.

Labcorp Genetics (formerly Invitae), Labcorp
Classification: Uncertain significance for Chédiak-Higashi syndrome. Last evaluated: 2022-08-31. Review status: criteria provided, single submitter. Criteria: Invitae Variant Classification Sherloc (09022015). Collection method: clinical testing. Allele origin: germline.
Comment: This sequence change replaces leucine, which is neutral and non-polar, with tryptophan, which is neutral and slightly polar, at codon 566 of the LYST protein (p.Leu566Trp). This variant is not present in population databases (gnomAD no frequency). This variant has not been reported in the literature in individuals affected with LYST-related conditions. ClinVar contains an entry for this variant (Variation ID: 662689). Algorithms developed to predict the effect of missense changes on protein structure and function are either unavailable or do not agree on the potential impact of this missense change (SIFT: "Deleterious"; PolyPhen-2: "Possibly Damaging"; Align-GVGD: "Class C0"). In summary, the available evidence is currently insufficient to determine the role of this variant in disease. Therefore, it has been classified as a Variant of Uncertain Significance.